The following is an entry in ClinVar:

NM_006016.6(CD164):c.*582A>G

Gene: CD164 (CD164 molecule; minus strand). Cytogenetic location: 6q21.
Variant type: single nucleotide variant.
Coding change: c.*582A>G on transcript NM_006016.6 (MANE Select); 582 bases downstream of the stop codon, A replaced by G.
Molecular consequence: 3 prime UTR variant.
Genome position (GRCh38, 1-based): chr6:109,368,269, T>C on the plus strand (A>G on the coding strand, the complement: CD164 is on the minus strand). VCF-style: chr6-109368269-T-C. GRCh37 (hg19) VCF-style: chr6-109689472-T-C.
Other names: c.*582A>G (NM_001142401.3, NM_001142402.3, NM_001346500.2); c.*10A>G (NM_001142403.3, NM_001142404.3).
Identifiers: ClinVar variation 4989955 (VCV004989955.1).

ClinVar aggregate classification (germline): Likely benign (1 of 4 stars; one submission).

Conditions:
CD164-related disorder. Also called: CD164-related condition.

gnomAD v4.1: 138 of 1,540,658 alleles (0.009%); highest among the groups gnomAD compares: Middle Eastern, 1.1%; 4 homozygotes.

Submission:

PreventionGenetics, part of Exact Sciences
Classification: Likely benign for CD164-related condition. Last evaluated: 2024-11-07. Review status: criteria provided, single submitter. Criteria: ACMG Guidelines, 2015. Collection method: clinical testing. Allele origin: germline.
Comment: This variant is classified as likely benign based on ACMG/AMP sequence variant interpretation guidelines (Richards et al. 2015 PMID: 25741868, with internal and published modifications).